The following is an entry in ClinVar:

ClinVar aggregate classification (germline): Likely benign. Review status: criteria provided, multiple submitters, no conflicts (2 of 4 stars). 6 submissions from 6 submitters: Likely benign (4). 2 of the submissions do not count toward it. Last evaluated 2025-12-31.

Conditions:
Cardiovascular phenotype. Identifiers: MedGen CN230736.
Dilated cardiomyopathy 1II (CMD1II). Identifiers: Orphanet 154, MedGen C3554649, MONDO:0014073, OMIM 615184.

Allele frequency attached by ClinVar (database versions not stated): TOPMed 0.00006; 1000 Genomes Project 30x 0.00031.
gnomAD v4.1: 97 of 1,612,796 alleles (0.006%); highest among the groups gnomAD compares: Non-Finnish European, 0.0073%; no homozygotes.

Submissions (6):

Labcorp Genetics (formerly Invitae), Labcorp
Classification: Likely benign for Dilated cardiomyopathy 1II. Last evaluated: 2025-12-31. Review status: criteria provided, single submitter. Criteria: Invitae Variant Classification Sherloc (09022015). Collection method: clinical testing. Allele origin: germline.

Blueprint Genetics
Classification: Likely benign. Last evaluated: 2023-06-02. Review status: criteria provided, single submitter. Criteria: ACMG Guidelines, 2015. Collection method: clinical testing. Allele origin: germline.

Ambry Genetics
Classification: Likely benign for Cardiovascular phenotype. Last evaluated: 2022-12-14. Review status: criteria provided, single submitter. Criteria: Ambry Variant Classification Scheme 2023. Collection method: clinical testing. Allele origin: germline.

Laboratory for Molecular Medicine, Mass General Brigham Personalized Medicine
Classification: Likely benign. Last evaluated: 2014-01-30. Review status: criteria provided, single submitter. Criteria: LMM Criteria. Collection method: clinical testing. Allele origin: germline. Observed: 1 variant allele.
Comment: Thr170Thr in exon 3 of CRYAB: This variant is not expected to have clinical sign ificance because it does not alter an amino acid residue and is not located with in the splice consensus sequence. Thr170Thr in exon 3 of CRYAB (allele frequen cy = n/a)

Clinical Genetics DNA and cytogenetics Diagnostics Lab, Erasmus MC, Erasmus Medical Center
Classification: Likely benign. Review status: no assertion criteria provided. Collection method: clinical testing. Allele origin: germline. Affected: yes. Study: VKGL Data-share Consensus. Not counted in ClinVar's aggregate classification.

Clinical Genetics, Academic Medical Center
Classification: Benign. Review status: no assertion criteria provided. Collection method: clinical testing. Allele origin: germline. Affected: yes. Study: VKGL Data-share Consensus. Not counted in ClinVar's aggregate classification.

NM_001289808.2(CRYAB):c.510C>T (p.Thr170=)

Gene: CRYAB (crystallin alpha B; minus strand). Cytogenetic location: 11q23.1.
Variant type: single nucleotide variant.
Coding change: c.510C>T on transcript NM_001289808.2 (MANE Select); coding-DNA position 510, C replaced by T.
Protein change: p.Thr170=; no amino-acid change (threonine 170 retained).
Molecular consequence: synonymous variant.
Genome position (GRCh38, 1-based): chr11:111,908,782, G>A on the plus strand (C>T on the coding strand, the complement: CRYAB is on the minus strand). VCF-style: chr11-111908782-G-A. GRCh37 (hg19) VCF-style: chr11-111779506-G-A.
Other names: c.510C>T, p.Thr170= (NM_001289807.1, NM_001368245.1, NM_001885.3); c.309C>T, p.Thr103= (NM_001330379.1, NM_001368246.1).
Identifiers: ClinVar variation 162998 (VCV000162998.20), dbSNP rs147970333, ClinGen allele CA175581.